The following is an entry in ClinVar:

ClinVar aggregate classification (germline): Benign/Likely benign. Review status: criteria provided, multiple submitters, no conflicts (2 of 4 stars). 5 submissions from 5 submitters: Benign (1); Likely benign (2). 2 of the submissions do not count toward it. Last evaluated 2026-01-25.

Conditions:
FASTKD2-related disorder. Also called: FASTKD2-related condition.
Combined oxidative phosphorylation deficiency 44. Also called: FASTKD2-Related Combined Oxidative Phosphorylation Deficiency. Identifiers: MedGen C5394293, MONDO:0030020, OMIM 618855.

Allele frequency attached by ClinVar (database versions not stated): gnomAD exomes 0.00007 and 0.00019; ExAC 0.00023; ESP Exome Variant Server 0.00056; TOPMed 0.00083; 1000 Genomes Project 0.00120; 1000 Genomes Project 30x 0.00125.
gnomAD v4.1: 243 of 1,611,436 alleles (0.015%); highest among the groups gnomAD compares: African/African-American, 0.28%; no homozygotes.

Submissions (5):

Labcorp Genetics (formerly Invitae), Labcorp
Classification: Benign. Last evaluated: 2026-01-25. Review status: criteria provided, single submitter. Criteria: Invitae Variant Classification Sherloc (09022015). Collection method: clinical testing. Allele origin: germline.

Fulgent Genetics
Classification: Likely benign for Combined oxidative phosphorylation deficiency 44. Last evaluated: 2022-01-25. Review status: criteria provided, single submitter. Criteria: ACMG Guidelines, 2015. Collection method: clinical testing. Allele origin: unknown.

GeneDx
Classification: Likely benign. Last evaluated: 2021-05-19. Review status: criteria provided, single submitter. Criteria: GeneDx Variant Classification Process June 2021. Collection method: clinical testing. Allele origin: germline. Affected: yes.

PreventionGenetics, part of Exact Sciences
Classification: Likely benign for FASTKD2-related condition. Last evaluated: 2019-04-24. Review status: no assertion criteria provided. Collection method: clinical testing. Allele origin: germline. Not counted in ClinVar's aggregate classification.
Comment: This variant is classified as likely benign based on ACMG/AMP sequence variant interpretation guidelines (Richards et al. 2015 PMID: 25741868, with internal and published modifications).

Department of Pathology and Laboratory Medicine, Sinai Health System
Classification: Likely benign. Review status: no assertion criteria provided. Collection method: clinical testing. Allele origin: unknown. Affected: yes. Study: The Canadian Open Genetics Repository (COGR). Not counted in ClinVar's aggregate classification.
Comment: The FASTKD2 p.Gln252Gln variant was not identified in the literature nor was it identified in LOVD 3.0. The variant was identified in dbSNP (ID: rs377619612) and ClinVar (classified as likely benign by GeneDx and benign by Invitae). The variant was identified in control databases in 75 of 278382 chromosomes at a frequency of 0.0002694 (Genome Aggregation Database March 6, 2019, v2.1.1). The variant was observed in the following populations: African in 70 of 24200 chromosomes (freq: 0.002893), Other in 1 of 7128 chromosomes (freq: 0.00014) and Latino in 4 of 35406 chromosomes (freq: 0.000113), but was not observed in the Ashkenazi Jewish, East Asian, European (Finnish), European (non-Finnish), or South Asian populations. The p.Gln252Gln variant is not expected to have clinical significance because it does not result in a change of amino acid and is not located in a known consensus splice site. The variant occurs outside of the splicing consensus sequence and 3 of 4 in silico or computational prediction software programs (SpliceSiteFinder, MaxEntScan, NNSPLICE, GeneSplicer) predict a greater than 10% difference in splicing. However, this information is not predictive enough to assume pathogenicity. In summary, based on the above information the clinical significance of this variant cannot be determined with certainty at this time although we would lean towards a more benign role for this variant. This variant is classified as likely benign.

NM_001136193.2(FASTKD2):c.756G>A (p.Gln252=)

Gene: FASTKD2 (FAST kinase domains 2; plus strand). Cytogenetic location: 2q33.3.
Variant type: single nucleotide variant.
Coding change: c.756G>A on transcript NM_001136193.2 (MANE Select); coding-DNA position 756, G replaced by A.
Protein change: p.Gln252=; no amino-acid change (glutamine 252 retained).
Molecular consequence: synonymous variant.
Genome position (GRCh38, 1-based): chr2:206,767,449, G>A. VCF-style: chr2-206767449-G-A. GRCh37 (hg19) VCF-style: chr2-207632173-G-A.
Other names: c.756G>A, p.Gln252= (NM_001136194.2, NM_014929.4).
Identifiers: ClinVar variation 379194 (VCV000379194.16), dbSNP rs377619612, ClinGen allele CA2074940.